The following is an entry in ClinVar:

ClinVar aggregate classification (germline): Uncertain significance. Review status: criteria provided, multiple submitters, no conflicts (2 of 4 stars). 4 submissions from 4 submitters: Uncertain significance (4). Last evaluated 2025-08-08.

Conditions:
Hereditary breast ovarian cancer syndrome. Also called: Breast and ovarian cancer; Hereditary breast and ovarian cancer syndrome (HBOC); Hereditary breast and/or ovarian cancer syndrome; Hereditary breast and ovarian cancer; Hereditary breast and ovarian cancer syndrome; BRCA1- and BRCA2-Associated Hereditary Breast and Ovarian Cancer. Identifiers: Orphanet 145, MedGen C0677776, MeSH D061325, MONDO:0003582. Disease mechanism: loss of function.
Breast-ovarian cancer, familial, susceptibility to, 2 (BROVCA2). Also called: BRCA2 Hereditary Breast and Ovarian Cancer. Identifiers: Orphanet 145, MedGen C2675520, MONDO:0012933, OMIM 612555. Disease mechanism: loss of function.
Hereditary cancer-predisposing syndrome. Also called: Hereditary neoplastic syndrome; Tumor predisposition; Neoplastic Syndromes, Hereditary; Hereditary Cancer Syndrome. Identifiers: Orphanet 140162, MedGen C0027672, MeSH D009386, MONDO:0015356.

Allele frequency attached by ClinVar (database versions not stated): gnomAD exomes below 0.00001.
gnomAD v4.1: 1 of 1,597,760 alleles (0.000063%); highest among the groups gnomAD compares: East Asian, 0.0022%; no homozygotes.

Submissions (4):

Quest Diagnostics Nichols Institute San Juan Capistrano
Classification: Uncertain significance. Last evaluated: 2025-08-08. Review status: criteria provided, single submitter. Criteria: Quest Diagnostics criteria. Collection method: clinical testing. Allele origin: unknown.
Comment: The BRCA2 c.656C>A (p.Thr219Asn) variant has not been reported in individuals with BRCA2-related conditions in the published literature. This variant has not been reported in large, multi-ethnic general populations (Genome Aggregation Database). Analysis of this variant using bioinformatics tools for the prediction of the effect of amino acid changes on protein structure and function yielded predictions that this variant is benign. Based on the available information, we are unable to determine the clinical significance of this variant.

Labcorp Genetics (formerly Invitae), Labcorp
Classification: Uncertain significance for Hereditary breast ovarian cancer syndrome. Last evaluated: 2024-08-21. Review status: criteria provided, single submitter. Criteria: Invitae Variant Classification Sherloc (09022015). Collection method: clinical testing. Allele origin: germline.
Comment: This sequence change replaces threonine, which is neutral and polar, with asparagine, which is neutral and polar, at codon 219 of the BRCA2 protein (p.Thr219Asn). This variant is not present in population databases (gnomAD no frequency). This variant has not been reported in the literature in individuals affected with BRCA2-related conditions. ClinVar contains an entry for this variant (Variation ID: 961159). Invitae Evidence Modeling of protein sequence and biophysical properties (such as structural, functional, and spatial information, amino acid conservation, physicochemical variation, residue mobility, and thermodynamic stability) indicates that this missense variant is not expected to disrupt BRCA2 protein function with a negative predictive value of 95%. In summary, the available evidence is currently insufficient to determine the role of this variant in disease. Therefore, it has been classified as a Variant of Uncertain Significance.

All of Us Research Program, National Institutes of Health
Classification: Uncertain significance for Breast-ovarian cancer, familial, susceptibility to, 2. Last evaluated: 2023-04-03. Review status: criteria provided, single submitter. Criteria: ACMG Guidelines, 2015. Collection method: clinical testing. Allele origin: germline. Inheritance: Autosomal dominant inheritance. Observed: 1 variant allele, 1 heterozygote.
Comment: This missense variant replaces threonine with asparagine at codon 219 of the BRCA2 protein. Computational prediction suggests that this variant may not impact protein structure and function (internally defined REVEL score threshold <= 0.5, PMID: 27666373). To our knowledge, functional studies have not been reported for this variant. This variant has not been reported in individuals affected with BRCA2-related disorders in the literature. This variant has not been identified in the general population by the Genome Aggregation Database (gnomAD). The available evidence is insufficient to determine the role of this variant in disease conclusively. Therefore, this variant is classified as a Variant of Uncertain Significance.

This study involves interpretation of variants in research participants for the purpose of population health screening. Participant phenotype was not available at the time of variant classification. Additional details can be found in publication PMID: 35346344, PMCID: PMC8962531

Ambry Genetics
Classification: Uncertain significance for Hereditary cancer-predisposing syndrome. Last evaluated: 2022-09-24. Review status: criteria provided, single submitter. Criteria: Ambry Variant Classification Scheme 2023. Collection method: clinical testing. Allele origin: germline.
Comment: The p.T219N variant (also known as c.656C>A), located in coding exon 7 of the BRCA2 gene, results from a C to A substitution at nucleotide position 656. The threonine at codon 219 is replaced by asparagine, an amino acid with similar properties. This amino acid position is conserved. In addition, this alteration is predicted to be tolerated by in silico analysis. Since supporting evidence is limited at this time, the clinical significance of this alteration remains unclear.

NM_000059.4(BRCA2):c.656C>A (p.Thr219Asn)

Gene: BRCA2 (BRCA2 DNA repair associated; plus strand). Cytogenetic location: 13q13.1.
Variant type: single nucleotide variant.
Coding change: c.656C>A on transcript NM_000059.4 (MANE Select); coding-DNA position 656, C replaced by A.
Protein change: p.Thr219Asn; replaces threonine 219 with asparagine.
Molecular consequence: missense variant.
Genome position (GRCh38, 1-based): chr13:32,329,467, C>A. VCF-style: chr13-32329467-C-A. GRCh37 (hg19) VCF-style: chr13-32903604-C-A.
Other names: short protein forms T219N.
Identifiers: ClinVar variation 961159 (VCV000961159.14), dbSNP rs2072373199, ClinGen allele CA387759445.